The following is an entry in ClinVar:

ClinVar aggregate classification (germline): Likely pathogenic (1 of 4 stars; one submission).

Conditions:
Hereditary cancer-predisposing syndrome. Also called: Hereditary Cancer Syndrome; Hereditary neoplastic syndrome; Neoplastic Syndromes, Hereditary; Tumor predisposition. Identifiers: Orphanet 140162, MedGen C0027672, MeSH D009386, MONDO:0015356.

Submission:

Hereditary Cancer Laboratory, Hospital Universitario 12 de Octubre
Classification: Likely pathogenic for Hereditary cancer-predisposing syndrome. Last evaluated: 2025-03-24. Review status: criteria provided, single submitter. Criteria: ACMG Guidelines, 2015. Collection method: clinical testing. Allele origin: germline.
Comment: PVS1 + PM2

NM_000051.4(ATM):c.2124+1G>C

Gene: ATM (ATM serine/threonine kinase; plus strand). Cytogenetic location: 11q22.3.
Variant type: single nucleotide variant.
Coding change: c.2124+1G>C on transcript NM_000051.4 (MANE Select); the canonical splice donor site of the intron after coding-DNA position 2124, G replaced by C.
Molecular consequence: splice donor variant.
Genome position (GRCh38, 1-based): chr11:108,254,040, G>C. VCF-style: chr11-108254040-G-C. GRCh37 (hg19) VCF-style: chr11-108124767-G-C.
Other names: c.2124+1G>C (NM_001351834.2).
Identifiers: ClinVar variation 3906166 (VCV003906166.1).
Genomic context (GRCh38, chr11:108,254,040, plus strand): 5'-TCACTGGATCGCTGTCTTCTGGGATTATCAGAACAGCTTCTGAATAATTACTCATCTGAG[G>C]TGAGATTTTTTAAAAAAAGAACTAAGCTTATATATGATTCAACTTTGGTAAACTGTTAGG-3'